The following is an entry in ClinVar:

ClinVar aggregate classification (germline): Uncertain significance. Review status: criteria provided, multiple submitters, no conflicts (2 of 4 stars). 2 submissions from 2 submitters: Uncertain significance (2). Last evaluated 2022-11-10.

Allele frequency attached by ClinVar (database versions not stated): gnomAD exomes 0.00001; TOPMed 0.00001.
gnomAD v4.1: 18 of 1,607,288 alleles (0.0011%); highest among the groups gnomAD compares: Admixed American, 0.0017%; no homozygotes.

Submissions (2):

Ambry Genetics
Classification: Uncertain significance. Last evaluated: 2022-11-10. Review status: criteria provided, single submitter. Criteria: Ambry Variant Classification Scheme 2023. Collection method: clinical testing. Allele origin: germline.
Comment: The p.F225L variant (also known as c.675T>G), located in coding exon 7 of the RASA2 gene, results from a T to G substitution at nucleotide position 675. The phenylalanine at codon 225 is replaced by leucine, an amino acid with highly similar properties. This amino acid position is conserved. In addition, this alteration is predicted to be deleterious by in silico analysis. Since supporting evidence is limited at this time, the clinical significance of this alteration remains unclear.

Labcorp Genetics (formerly Invitae), Labcorp
Classification: Uncertain significance. Last evaluated: 2021-04-15. Review status: criteria provided, single submitter. Criteria: Invitae Variant Classification Sherloc (09022015). Collection method: clinical testing. Allele origin: germline.
Comment: This variant is not present in population databases (ExAC no frequency). In summary, the available evidence is currently insufficient to determine the role of this variant in disease. Therefore, it has been classified as a Variant of Uncertain Significance. Algorithms developed to predict the effect of missense changes on protein structure and function are either unavailable or do not agree on the potential impact of this missense change (SIFT: "Tolerated"; PolyPhen-2: "Possibly Damaging"; Align-GVGD: "Class C0"). This variant has not been reported in the literature in individuals with RASA2-related conditions. This sequence change replaces phenylalanine with leucine at codon 225 of the RASA2 protein (p.Phe225Leu). The phenylalanine residue is moderately conserved and there is a small physicochemical difference between phenylalanine and leucine.

NM_006506.5(RASA2):c.675T>G (p.Phe225Leu)

Gene: RASA2 (RAS p21 protein activator 2; plus strand). Cytogenetic location: 3q23.
Variant type: single nucleotide variant.
Coding change: c.675T>G on transcript NM_006506.5 (MANE Select); coding-DNA position 675, T replaced by G.
Protein change: p.Phe225Leu; replaces phenylalanine 225 with leucine.
Molecular consequence: missense variant.
Genome position (GRCh38, 1-based): chr3:141,555,903, T>G. VCF-style: chr3-141555903-T-G. GRCh37 (hg19) VCF-style: chr3-141274745-T-G.
Other names: c.675T>G (NM_006506.2); c.675T>G, p.Phe225Leu (NM_001303245.3, NM_001303246.3); short protein forms F225L.
Identifiers: ClinVar variation 1434149 (VCV001434149.9), dbSNP rs1165799831, ClinGen allele CA354772744.